The following is an entry in ClinVar:

NM_030928.4(CDT1):c.883C>T (p.Arg295Trp)

Gene: CDT1 (chromatin licensing and DNA replication factor 1; plus strand). Cytogenetic location: 16q24.3.
Variant type: single nucleotide variant.
Coding change: c.883C>T on transcript NM_030928.4 (MANE Select); coding-DNA position 883, C replaced by T.
Protein change: p.Arg295Trp; replaces arginine 295 with tryptophan.
Molecular consequence: missense variant.
Genome position (GRCh38, 1-based): chr16:88,806,071, C>T. VCF-style: chr16-88806071-C-T. GRCh37 (hg19) VCF-style: chr16-88872479-C-T.
Other names: c.883C>T (NM_030928.3); short protein forms R295W.
Identifiers: ClinVar variation 1347386 (VCV001347386.7), dbSNP rs139127078, ClinGen allele CA8233885.
Genomic context (GRCh38, chr16:88,806,071, plus strand): 5'-CGTCCCACAGAGGCTGACGGAGCAGCCCCCCAGCTCACGGCCTCGCGCCTCCTGCAGCGA[C>T]GGCAGATCTTCAGCCAGAAGCTGGTGGAGCATGTCAAGGAGCACCACAAGGTGAGCGGCC-3'
Protein context (NP_112190.2, residues 285-305): QLTASRLLQR[Arg295Trp]QIFSQKLVEH

ClinVar aggregate classification (germline): Uncertain significance. Review status: criteria provided, multiple submitters, no conflicts (2 of 4 stars). 2 submissions from 2 submitters: Uncertain significance (2). Last evaluated 2026-02-23.

Conditions:
Inborn genetic diseases. Identifiers: MedGen C0950123, MeSH D030342.

Allele frequency attached by ClinVar (database versions not stated): gnomAD exomes 0.00006 and 0.00010; ExAC 0.00018; gnomAD 0.00034 and 0.00036; TOPMed 0.00038; ESP Exome Variant Server 0.00054.

Submissions (2):

Ambry Genetics
Classification: Uncertain significance for Inborn genetic diseases. Last evaluated: 2026-02-23. Review status: criteria provided, single submitter. Criteria: Ambry Variant Classification Scheme 2023. Collection method: clinical testing. Allele origin: germline.

Labcorp Genetics (formerly Invitae), Labcorp
Classification: Uncertain significance. Last evaluated: 2021-08-31. Review status: criteria provided, single submitter. Criteria: Invitae Variant Classification Sherloc (09022015). Collection method: clinical testing. Allele origin: germline.
Comment: This sequence change replaces arginine with tryptophan at codon 295 of the CDT1 protein (p.Arg295Trp). The arginine residue is highly conserved and there is a moderate physicochemical difference between arginine and tryptophan. This variant is present in population databases (rs139127078, ExAC 0.2%). This variant has not been reported in the literature in individuals affected with CDT1-related conditions. Algorithms developed to predict the effect of missense changes on protein structure and function are either unavailable or do not agree on the potential impact of this missense change (SIFT: "Deleterious"; PolyPhen-2: "Benign"; Align-GVGD: "Class C0"). In summary, the available evidence is currently insufficient to determine the role of this variant in disease. Therefore, it has been classified as a Variant of Uncertain Significance.